The following is an entry in ClinVar:

NM_032273.4(TMEM126A):c.-7-4del

Gene: TMEM126A (transmembrane protein 126A; plus strand). Cytogenetic location: 11q14.1.
Variant type: Deletion.
Coding change: c.-7-4del on transcript NM_032273.4 (MANE Select); 4 bases into the intron before 7 bases upstream of the start codon, one base deleted (T; older notation c.-7-4delT).
Molecular consequence: intron variant.
Genome position (GRCh38, 1-based): chr11:85,650,245, T deleted; the last of 6 consecutive T bases (chr11:85,650,240-85,650,245); deleting any one gives the same sequence. VCF-style (leftmost placement, unchanged base first): chr11-85650239-GT-G. GRCh37 (hg19) VCF-style: chr11-85361283-GT-G.
Other names: c.-125+2156del (NM_001244735.2); c.-7-4delT (NM_032273.3).
Identifiers: ClinVar variation 514614 (VCV000514614.1), dbSNP rs749609931, ClinGen allele CA6212650.

ClinVar aggregate classification (germline): Likely benign (1 of 4 stars; one submission).

Submission:

GeneDx
Classification: Likely benign. Last evaluated: 2018-01-22. Review status: criteria provided, single submitter. Criteria: GeneDx Variant Classification (06012015). Collection method: clinical testing. Allele origin: germline. Affected: yes.
Comment: This variant is considered likely benign or benign based on one or more of the following criteria: it is a conservative change, it occurs at a poorly conserved position in the protein, it is predicted to be benign by multiple in silico algorithms, and/or has population frequency not consistent with disease.